The following is an entry in ClinVar:

NM_000632.4(ITGAM):c.205A>T (p.Ser69Cys)

Genes: ITGAM (integrin subunit alpha M; plus strand), LOC126862331 (P300/CBP strongly-dependent group 1 enhancer GRCh37_chr16:31276375-31277574; plus strand). Cytogenetic location: 16p11.2.
Variant type: single nucleotide variant.
Coding change: c.205A>T on transcript NM_000632.4 (MANE Select); coding-DNA position 205, A replaced by T.
Protein change: p.Ser69Cys; replaces serine 69 with cysteine.
Molecular consequence: missense variant.
Genome position (GRCh38, 1-based): chr16:31,265,465, A>T. VCF-style: chr16-31265465-A-T. GRCh37 (hg19) VCF-style: chr16-31276786-A-T.
Other names: c.205A>T, p.Ser69Cys (NM_001145808.2); short protein forms S69C.
Identifiers: ClinVar variation 2134709 (VCV002134709.4), dbSNP rs2544361928, ClinGen allele CA395683084.
Genomic context (GRCh38, chr16:31,265,465, plus strand): 5'-GGAGCCCCCCAGGAGATAGTGGCTGCCAACCAAAGGGGCAGCCTCTACCAGTGCGACTAC[A>T]GCACAGGCTCATGCGAGCCCATCCGCCTGCAGGGTGAGTCACTGCCCCGCCGGGCTGGGA-3'
Protein context (NP_000623.2, residues 59-79): QRGSLYQCDY[Ser69Cys]TGSCEPIRLQ

ClinVar aggregate classification (germline): Uncertain significance (1 of 4 stars; one submission).

Submission:

Labcorp Genetics (formerly Invitae), Labcorp
Classification: Uncertain significance. Last evaluated: 2022-05-06. Review status: criteria provided, single submitter. Criteria: Invitae Variant Classification Sherloc (09022015). Collection method: clinical testing. Allele origin: germline.
Comment: In summary, the available evidence is currently insufficient to determine the role of this variant in disease. Therefore, it has been classified as a Variant of Uncertain Significance. Algorithms developed to predict the effect of missense changes on protein structure and function are either unavailable or do not agree on the potential impact of this missense change (SIFT: "Deleterious"; PolyPhen-2: "Possibly Damaging"; Align-GVGD: "Class C0"). This variant has not been reported in the literature in individuals affected with ITGAM-related conditions. This variant is not present in population databases (gnomAD no frequency). This sequence change replaces serine, which is neutral and polar, with cysteine, which is neutral and slightly polar, at codon 69 of the ITGAM protein (p.Ser69Cys).